The following is an entry in ClinVar:

NM_001303.4(COX10):c.1070C>T (p.Ala357Val)

Gene: COX10 (cytochrome c oxidase assembly factor heme A:farnesyltransferase COX10; plus strand). Cytogenetic location: 17p12.
Variant type: single nucleotide variant.
Coding change: c.1070C>T on transcript NM_001303.4 (MANE Select); coding-DNA position 1070, C replaced by T.
Protein change: p.Ala357Val; replaces alanine 357 with valine.
Molecular consequence: missense variant.
Genome position (GRCh38, 1-based): chr17:14,206,951, C>T. VCF-style: chr17-14206951-C-T. GRCh37 (hg19) VCF-style: chr17-14110268-C-T.
Other names: short protein forms A357V.
Identifiers: ClinVar variation 1162813 (VCV001162813.15), dbSNP rs148783821, ClinGen allele CA8402523.

ClinVar aggregate classification (germline): Uncertain significance. Review status: criteria provided, multiple submitters, no conflicts (2 of 4 stars). 5 submissions from 5 submitters: Uncertain significance (5). Last evaluated 2025-10-30.

Conditions:
Mitochondrial complex IV deficiency, nuclear type 3. Also called: Mitochondrial complex 4 deficiency, nuclear type 3. Identifiers: MedGen C5436682, MONDO:0033635, OMIM 619046.

Allele frequency attached by ClinVar (database versions not stated): TOPMed 0.00003; ExAC 0.00004; gnomAD 0.00004 and 0.00005; gnomAD exomes 0.00006 and 0.00007; ESP Exome Variant Server 0.00008.

Submissions (5):

GeneDx
Classification: Uncertain significance. Last evaluated: 2025-10-30. Review status: criteria provided, single submitter. Criteria: GeneDx Variant Classification Process June 2021. Collection method: clinical testing. Allele origin: germline. Affected: yes.
Comment: In silico analysis supports that this missense variant has a deleterious effect on protein structure/function; Has not been previously published as pathogenic or benign to our knowledge

Fulgent Genetics
Classification: Uncertain significance for Mitochondrial complex IV deficiency, nuclear type 3. Last evaluated: 2024-03-19. Review status: criteria provided, single submitter. Criteria: ACMG Guidelines, 2015. Collection method: clinical testing. Allele origin: germline.

Labcorp Genetics (formerly Invitae), Labcorp
Classification: Uncertain significance. Last evaluated: 2021-12-03. Review status: criteria provided, single submitter. Criteria: Invitae Variant Classification Sherloc (09022015). Collection method: clinical testing. Allele origin: germline.
Comment: Algorithms developed to predict the effect of missense changes on protein structure and function are either unavailable or do not agree on the potential impact of this missense change (SIFT: "Deleterious"; PolyPhen-2: "Probably Damaging"; Align-GVGD: "Class C0"). ClinVar contains an entry for this variant (Variation ID: 1162813). This variant has not been reported in the literature in individuals affected with COX10-related conditions. This variant is present in population databases (rs148783821, gnomAD 0.05%). This sequence change replaces alanine, which is neutral and non-polar, with valine, which is neutral and non-polar, at codon 357 of the COX10 protein (p.Ala357Val). In summary, the available evidence is currently insufficient to determine the role of this variant in disease. Therefore, it has been classified as a Variant of Uncertain Significance.

Mayo Clinic Laboratories, Mayo Clinic
Classification: Uncertain significance. Last evaluated: 2019-10-06. Review status: criteria provided, single submitter. Criteria: ACMG Guidelines, 2015. Collection method: clinical testing. Allele origin: germline. Observed: 1 variant allele.

Genetics Laboratory, Department of Biology, Semnan University
Classification: Uncertain significance for Mitochondrial complex IV deficiency, nuclear type 3. Last evaluated: 2017-07-22. Review status: criteria provided, single submitter. Criteria: ACMG Guidelines, 2015. Collection method: research. Allele origin: germline. Inheritance: Autosomal recessive inheritance. Affected: no. Observed: 1 variant allele, 1 heterozygote.
Comment: The identified variant leads to the substitution of Alanine 357 with Valine (A357V) in the COX10 protein. Hence, this substitution could alter the amino acid sequence and could leads to a decreased function of mutated protein.

Literature cited by the submitters: DOI 10.1001/jamaneurol.2013.3242 (cited by Genetics Laboratory, Department of Biology, Semnan University).